The following is an entry in ClinVar:

NM_012233.3(RAB3GAP1):c.2671G>A (p.Gly891Ser)

Gene: RAB3GAP1 (RAB3 GTPase activating protein catalytic subunit 1; plus strand). Cytogenetic location: 2q21.3.
Variant type: single nucleotide variant.
Coding change: c.2671G>A on transcript NM_012233.3 (MANE Select); coding-DNA position 2671, G replaced by A.
Protein change: p.Gly891Ser; replaces glycine 891 with serine.
Molecular consequence: missense variant.
Genome position (GRCh38, 1-based): chr2:135,164,658, G>A. VCF-style: chr2-135164658-G-A. GRCh37 (hg19) VCF-style: chr2-135922228-G-A.
Other names: c.2671G>A, p.Gly891Ser (NM_001172435.2); short protein forms G891S.
Identifiers: ClinVar variation 3365918 (VCV003365918.1).

ClinVar aggregate classification (germline): Uncertain significance (1 of 4 stars; one submission).

Submission:

GeneDx
Classification: Uncertain significance. Last evaluated: 2023-12-21. Review status: criteria provided, single submitter. Criteria: GeneDx Variant Classification Process June 2021. Collection method: clinical testing. Allele origin: germline. Affected: yes.
Comment: Not observed at significant frequency in large population cohorts (gnomAD); In silico analysis supports that this missense variant has a deleterious effect on protein structure/function; Has not been previously published as pathogenic or benign to our knowledge